The following is an entry in ClinVar:

NM_000611.6(CD59):c.53T>G (p.Val18Gly)

Gene: CD59 (CD59 molecule (CD59 blood group); minus strand). Cytogenetic location: 11p13.
Variant type: single nucleotide variant.
Coding change: c.53T>G on transcript NM_000611.6 (MANE Select); coding-DNA position 53, T replaced by G.
Protein change: p.Val18Gly; replaces valine 18 with glycine.
Molecular consequence: missense variant.
Genome position (GRCh38, 1-based): chr11:33,722,393, A>C on the plus strand (T>G on the coding strand, the complement: CD59 is on the minus strand). VCF-style: chr11-33722393-A-C. GRCh37 (hg19) VCF-style: chr11-33743939-A-C.
Other names: c.53T>G, p.Val18Gly (NM_203329.3, NM_203330.2, NM_203331.3 and 4 more transcripts); short protein forms V18G.
Identifiers: ClinVar variation 1361110 (VCV001361110.5), dbSNP rs1564975530, ClinGen allele CA380022022.
Genomic context (GRCh38, chr11:33,722,393, plus strand): 5'-ATGGCCAAGGCAGCCTAGATCCATGTCCTGAGACTGGAGCACTCACCTGAATGGCAGAAG[A>C]CAGCCAGGACGAGCAGCAGCCCGAACAGGACAGACCCTCCTTGGATTCCCATTGTGATTG-3'
Protein context (NP_000602.1, residues 8-28): VLFGLLLVLA[Val18Gly]FCHSGHSLQC

ClinVar aggregate classification (germline): Uncertain significance (1 of 4 stars; one submission).

Allele frequency attached by ClinVar (database versions not stated): gnomAD 0.00001; TOPMed below 0.00001.
gnomAD v4.1: 2 of 1,612,312 alleles (0.00012%); highest among the groups gnomAD compares: African/African-American, 0.0027%; no homozygotes.

Submission:

Labcorp Genetics (formerly Invitae), Labcorp
Classification: Uncertain significance. Last evaluated: 2022-08-23. Review status: criteria provided, single submitter. Criteria: Invitae Variant Classification Sherloc (09022015). Collection method: clinical testing. Allele origin: germline.
Comment: This sequence change replaces valine, which is neutral and non-polar, with glycine, which is neutral and non-polar, at codon 18 of the CD59 protein (p.Val18Gly). This variant is not present in population databases (gnomAD no frequency). This variant has not been reported in the literature in individuals affected with CD59-related conditions. ClinVar contains an entry for this variant (Variation ID: 1361110). Algorithms developed to predict the effect of missense changes on protein structure and function are either unavailable or do not agree on the potential impact of this missense change (SIFT: "Deleterious"; PolyPhen-2: "Possibly Damaging"; Align-GVGD: "Class C0"). In summary, the available evidence is currently insufficient to determine the role of this variant in disease. Therefore, it has been classified as a Variant of Uncertain Significance.